The following is an entry in ClinVar:

NM_001429.4(EP300):c.6007C>A (p.Pro2003Thr)

Gene: EP300 (EP300 lysine acetyltransferase; plus strand). Cytogenetic location: 22q13.2.
Variant type: single nucleotide variant.
Coding change: c.6007C>A on transcript NM_001429.4 (MANE Select); coding-DNA position 6007, C replaced by A.
Protein change: p.Pro2003Thr; replaces proline 2003 with threonine.
Molecular consequence: missense variant.
Genome position (GRCh38, 1-based): chr22:41,177,718, C>A. VCF-style: chr22-41177718-C-A. GRCh37 (hg19) VCF-style: chr22-41573722-C-A.
Other names: c.5929C>A, p.Pro1977Thr (NM_001362843.2); short protein forms P1977T, P2003T.
Identifiers: ClinVar variation 3356706 (VCV003356706.3).

ClinVar aggregate classification (germline): Benign/Likely benign. Review status: criteria provided, multiple submitters, no conflicts (2 of 4 stars). 3 submissions from 3 submitters: Benign (1); Likely benign (1). 1 of the submissions does not count toward it. Last evaluated 2025-10-02.

Conditions:
EP300-related disorder. Also called: EP300-related disorders; EP300-related condition.
Rubinstein-Taybi syndrome due to EP300 haploinsufficiency. Also called: EP300-Related Rubinstein-Taybi Syndrome; RUBINSTEIN-TAYBI SYNDROME 2. Identifiers: Orphanet 353284, Orphanet 783, MedGen C3150941, MONDO:0013364, OMIM 613684.

gnomAD v4.1: 35 of 1,613,680 alleles (0.0022%); highest among the groups gnomAD compares: Non-Finnish European, 0.0028%; no homozygotes.

Submissions (3):

Labcorp Genetics (formerly Invitae), Labcorp
Classification: Benign for Rubinstein-Taybi syndrome due to EP300 haploinsufficiency. Last evaluated: 2025-10-02. Review status: criteria provided, single submitter. Criteria: Invitae Variant Classification Sherloc (09022015). Collection method: clinical testing. Allele origin: germline.

Blueprint Genetics
Classification: Likely benign. Last evaluated: 2021-12-13. Review status: criteria provided, single submitter. Criteria: ACMG Guidelines, 2015. Collection method: clinical testing. Allele origin: germline.

PreventionGenetics, part of Exact Sciences
Classification: Uncertain significance for EP300-related condition. Last evaluated: 2024-09-05. Review status: no assertion criteria provided. Collection method: clinical testing. Allele origin: germline. Not counted in ClinVar's aggregate classification.
Comment: The EP300 c.6007C>A variant is predicted to result in the amino acid substitution p.Pro2003Thr. To our knowledge, this variant has not been reported in the literature. This variant is reported in 0.0062% of alleles in individuals of African descent in gnomAD. At this time, the clinical significance of this variant is uncertain due to the absence of conclusive functional and genetic evidence.